The following is an entry in ClinVar:

ClinVar aggregate classification (germline): Uncertain significance. Review status: criteria provided, multiple submitters, no conflicts (2 of 4 stars). 2 submissions from 2 submitters: Uncertain significance (2). Last evaluated 2025-09-22.

Conditions:
Inborn genetic diseases. Identifiers: MedGen C0950123, MeSH D030342.

Allele frequency attached by ClinVar (database versions not stated): gnomAD 0.00001 and 0.00003; ExAC 0.00002; TOPMed 0.00004; ESP Exome Variant Server 0.00008; 1000 Genomes Project 0.00020; 1000 Genomes Project 30x 0.00062.
gnomAD v4.1: 13 of 1,613,846 alleles (0.00081%); highest among the groups gnomAD compares: African/African-American, 0.016%; no homozygotes.

Submissions (2):

Ambry Genetics
Classification: Uncertain significance for Inborn genetic diseases. Last evaluated: 2025-09-22. Review status: criteria provided, single submitter. Criteria: Ambry Variant Classification Scheme 2023. Collection method: clinical testing. Allele origin: germline.

Labcorp Genetics (formerly Invitae), Labcorp
Classification: Uncertain significance. Last evaluated: 2025-02-24. Review status: criteria provided, single submitter. Criteria: Invitae Variant Classification Sherloc (09022015). Collection method: clinical testing. Allele origin: germline.
Comment: This sequence change replaces asparagine, which is neutral and polar, with histidine, which is basic and polar, at codon 759 of the ARHGEF18 protein (p.Asn759His). This variant is present in population databases (rs200399109, gnomAD 0.02%). This variant has not been reported in the literature in individuals affected with ARHGEF18-related conditions. ClinVar contains an entry for this variant (Variation ID: 861905). An algorithm developed to predict the effect of missense changes on protein structure and function (PolyPhen-2) suggests that this variant is likely to be tolerated. In summary, the available evidence is currently insufficient to determine the role of this variant in disease. Therefore, it has been classified as a Variant of Uncertain Significance.

NM_001367823.1(ARHGEF18):c.2839A>C (p.Asn947His)

Gene: ARHGEF18 (Rho/Rac guanine nucleotide exchange factor 18; plus strand). Cytogenetic location: 19p13.2.
Variant type: single nucleotide variant.
Coding change: c.2839A>C on transcript NM_001367823.1 (MANE Select); coding-DNA position 2839, A replaced by C.
Protein change: p.Asn947His; replaces asparagine 947 with histidine.
Molecular consequence: missense variant.
Genome position (GRCh38, 1-based): chr19:7,464,625, A>C. VCF-style: chr19-7464625-A-C. GRCh37 (hg19) VCF-style: chr19-7529511-A-C.
Other names: c.2113A>C, p.Asn705His (NM_001130955.2); c.1801A>C, p.Asn601His (NM_001367824.1, NM_015318.4); short protein forms N947H, N601H, N705H.
Identifiers: ClinVar variation 861905 (VCV000861905.8), dbSNP rs200399109, ClinGen allele CA9136998.